The following is an entry in ClinVar:

NM_001690.4(ATP6V1A):c.1346A>G (p.Asn449Ser)

Gene: ATP6V1A (ATPase H+ transporting V1 subunit A; plus strand). Cytogenetic location: 3q13.31.
Variant type: single nucleotide variant.
Coding change: c.1346A>G on transcript NM_001690.4 (MANE Select); coding-DNA position 1346, A replaced by G.
Protein change: p.Asn449Ser; replaces asparagine 449 with serine.
Molecular consequence: missense variant.
Genome position (GRCh38, 1-based): chr3:113,798,298, A>G. VCF-style: chr3-113798298-A-G. GRCh37 (hg19) VCF-style: chr3-113517145-A-G.
Other names: chr3-113798298 A>G; p.Asn449Ser; short protein forms N449S.
Identifiers: ClinVar variation 3899243 (VCV003899243.3).

ClinVar aggregate classification (germline): Uncertain significance. Review status: criteria provided, multiple submitters, no conflicts (2 of 4 stars). 3 submissions from 3 submitters: Uncertain significance (3). Last evaluated 2025-05-13.

Conditions:
Developmental and epileptic encephalopathy 93. Also called: EPILEPTIC ENCEPHALOPATHY, INFANTILE OR EARLY CHILDHOOD, 3. Identifiers: MedGen C4693934, MONDO:0020632, OMIM 618012.

gnomAD v4.1: 2 of 1,613,888 alleles (0.00012%); highest among the groups gnomAD compares: Non-Finnish European, 0.00017%; no homozygotes.

Submissions (3):

Department of Biochemistry, All India Institute of Medical Sciences, Kalyani
Classification: Uncertain significance for Developmental and epileptic encephalopathy 93. Last evaluated: 2025-05-13. Review status: criteria provided, single submitter. Criteria: ACMG Guidelines, 2015. Collection method: clinical testing. Allele origin: germline. Affected: no.
Comment: The NM_001690.4:c.1346A>G, is a missense variant in the exon 12 of ATP6V1A gene which is predicted to result in change in amino acid Asparagine to Serine in position 449 in the polypeptide chain. This amino acid change leads to a deleterious effect on the protein as per computational prediction tools (aggregate score Revel - 0.852) (PMID: 36413997) (PP3 – Pathogenic Moderate). ATP6VIA gene has a low rate of benign missense variant with 23 pathogenic missense variant and 4 benign missense variant. GnomAD constraint of missense upper Z-score for gene is greater than 3.09 & gene score is 3.3731 (PP2 – Pathogenic Supporting). Hence this was not a de novo variant. This variant is not reported in the literature. This variant has an allele frequency of 0.000001239 in gnomAD v4.1.0 and is not reported in South Asians (PM2 – Pathogenic Moderate). In summary, this variant meets criteria to be classified as variant of uncertain significance based on the ACMG/AMP criteria applied, as specified by PP3, PP2 & PM2 criteria.

Department of Genetics, Rouen University Hospital, Normandy Center for Genomic and Personalized Medicine
Classification: Uncertain significance for Developmental and epileptic encephalopathy 93. Last evaluated: 2025-02-26. Review status: criteria provided, single submitter. Criteria: ACMG Guidelines, 2015. Collection method: clinical testing. Allele origin: de novo. Affected: yes.

Blueprint Genetics
Classification: Uncertain significance. Last evaluated: 2021-03-16. Review status: criteria provided, single submitter. Criteria: ACMG Guidelines, 2015. Collection method: clinical testing. Allele origin: germline.